The following is an entry in ClinVar:

NM_004380.3(CREBBP):c.6941T>C (p.Met2314Thr)

Gene: CREBBP (CREB binding lysine acetyltransferase; minus strand). Cytogenetic location: 16p13.3.
Variant type: single nucleotide variant.
Coding change: c.6941T>C on transcript NM_004380.3 (MANE Select); coding-DNA position 6941, T replaced by C.
Protein change: p.Met2314Thr; replaces methionine 2314 with threonine.
Molecular consequence: missense variant.
Genome position (GRCh38, 1-based): chr16:3,728,106, A>G on the plus strand (T>C on the coding strand, the complement: CREBBP is on the minus strand). VCF-style: chr16-3728106-A-G. GRCh37 (hg19) VCF-style: chr16-3778107-A-G.
Other names: c.6827T>C, p.Met2276Thr (NM_001079846.1); short protein forms M2314T, M2276T.
Identifiers: ClinVar variation 4755406 (VCV004755406.1).

ClinVar aggregate classification (germline): Likely benign (1 of 4 stars; one submission).

Conditions:
Rubinstein-Taybi syndrome due to CREBBP mutations (RSTS1). Also called: RUBINSTEIN-TAYBI SYNDROME 1, INCOMPLETE; BROAD THUMBS AND GREAT TOES, CHARACTERISTIC FACIES, AND IMPAIRED INTELLECTUAL DEVELOPMENT; Rubinstein-Taybi syndrome 1; CREBBP-Related Rubinstein-Taybi Syndrome; BROAD THUMB-HALLUX SYNDROME; RUBINSTEIN SYNDROME. Identifiers: Orphanet 353277, Orphanet 783, MedGen C4551859, MONDO:0008393, OMIM 180849.

gnomAD v4.1: 1 of 1,614,114 alleles (0.000062%); highest among the groups gnomAD compares: Non-Finnish European, 0.000085%; no homozygotes.

Submission:

Centre for Medical Genetics,  Mumbai
Classification: Likely benign for Rubinstein-Taybi syndrome due to CREBBP mutations. Last evaluated: 2026-02-05. Review status: criteria provided, single submitter. Criteria: ACMG Guidelines, 2015. Collection method: provider interpretation. Allele origin: germline. Inheritance: Autosomal dominant inheritance. Affected: no. Observed: 1 heterozygote.
Comment: The variant satisfies PM2 criteria; Extremely low frequency in gnomAD population databases. The variant satisfies PP2 criteria; Missense variant in a gene with low rate of benign missense mutations and for which missense mutation is a common mechanism of a disease. However, the variant satisfies BS2 criteria.

Literature cited by the submitters: PubMed 7630403.